The following is an entry in ClinVar:

ClinVar aggregate classification (germline): other (0 of 4 stars; one submission).

Conditions:
Familial colorectal cancer. Identifiers: MedGen CN280943, MONDO:0023113. Disease mechanism: loss of function.

Submission:

Systems Biology Platform Zhejiang California International NanoSystems Institute
Classification: other for Familial colorectal cancer. Review status: no assertion criteria provided. Collection method: not provided. Allele origin: unknown.
ClinVar note: Converted during submission from cancer to other.

NM_001127511.3(APC):c.165+20767T>G

Gene: APC (APC regulator of Wnt signaling pathway; plus strand). Cytogenetic location: 5q22.2.
Variant type: single nucleotide variant.
Coding change: c.165+20767T>G on transcript NM_001127511.3; 20767 bases into the intron after coding-DNA position 165, T replaced by G.
Molecular consequence: intron variant.
Genome position (GRCh38, 1-based): chr5:112,728,649, T>G. VCF-style: chr5-112728649-T-G. GRCh37 (hg19) VCF-style: chr5-112064346-T-G.
Other names: c.-1054+20767T>G (NM_001407470.1, NM_001407472.1); c.-19+20767T>G (NM_001407447.1, NM_001354895.2, NM_001407456.1 and 3 more transcripts); c.165+20767T>G (NM_001407446.1, NM_001354897.2, NM_001354902.2); c.-19+21000T>G (NM_001407448.1, NM_001407450.1, NM_001407457.1 and 1 more transcripts); c.-43+21000T>G (NM_001407453.1).
Identifiers: ClinVar variation 82295 (VCV000082295.4), dbSNP rs79153922, ClinGen allele CA023503.